The following is an entry in ClinVar:

ClinVar aggregate classification (germline): Uncertain significance. Review status: criteria provided, multiple submitters, no conflicts (2 of 4 stars). 2 submissions from 2 submitters: Uncertain significance (2). Last evaluated 2023-05-23.

Conditions:
Hereditary cancer-predisposing syndrome. Also called: Hereditary neoplastic syndrome; Neoplastic Syndromes, Hereditary; Tumor predisposition; Hereditary Cancer Syndrome. Identifiers: Orphanet 140162, MedGen C0027672, MeSH D009386, MONDO:0015356.
Ataxia-telangiectasia syndrome (AT). Also called: LOUIS-BAR SYNDROME; Cerebello-oculocutaneous telangiectasia; Immunodeficiency with ataxia telangiectasia; AT, COMPLEMENTATION GROUP C; Ataxia-telangiectasia, complementation group D; ATAXIA-TELANGIECTASIA, COMPLEMENTATION GROUP A. Identifiers: Orphanet 100, MedGen C0004135, MONDO:0008840, OMIM 208900.

gnomAD v4.1: 2 of 1,613,880 alleles (0.00012%); highest among the groups gnomAD compares: East Asian, 0.0022%; no homozygotes.

Submissions (2):

Labcorp Genetics (formerly Invitae), Labcorp
Classification: Uncertain significance for Ataxia-telangiectasia syndrome. Last evaluated: 2023-05-23. Review status: criteria provided, single submitter. Criteria: Invitae Variant Classification Sherloc (09022015). Collection method: clinical testing. Allele origin: germline.
Comment: In summary, the available evidence is currently insufficient to determine the role of this variant in disease. Therefore, it has been classified as a Variant of Uncertain Significance. Algorithms developed to predict the effect of sequence changes on RNA splicing suggest that this variant may disrupt the consensus splice site. An algorithm developed to predict the effect of missense changes on protein structure and function (PolyPhen-2) suggests that this variant is likely to be tolerated. ClinVar contains an entry for this variant (Variation ID: 481265). This variant has not been reported in the literature in individuals affected with ATM-related conditions. This variant is not present in population databases (gnomAD no frequency). This sequence change replaces arginine, which is basic and polar, with leucine, which is neutral and non-polar, at codon 1618 of the ATM protein (p.Arg1618Leu).

Ambry Genetics
Classification: Uncertain significance for Hereditary cancer-predisposing syndrome. Last evaluated: 2016-06-21. Review status: criteria provided, single submitter. Criteria: Ambry Variant Classification Scheme 2023. Collection method: clinical testing. Allele origin: germline.
Comment: The p.R1618L variant (also known as c.4853G>T), located in coding exon 31 of the ATM gene, results from a G to T substitution at nucleotide position 4853. The arginine at codon 1618 is replaced by leucine, an amino acid with dissimilar properties. This variant was not reported in population based cohorts in the following databases: Database of Single Nucleotide Polymorphisms (dbSNP), NHLBI Exome Sequencing Project (ESP), and 1000 Genomes Project. In the ESP, this variant was not observed in 6499 samples (12998 alleles) with coverage at this position. To date, this alteration has been detected with an allele frequency of approximately 0.001% (greater than 180000 alleles tested) in our clinical cohort. This amino acid position is well conserved in available vertebrate species. In addition, this alteration is predicted to be tolerated by in silico analysis. Since supporting evidence is limited at this time, the clinical significance of this alteration remains unclear.

NM_000051.4(ATM):c.4853G>T (p.Arg1618Leu)

Gene: ATM (ATM serine/threonine kinase; plus strand). Cytogenetic location: 11q22.3.
Variant type: single nucleotide variant.
Coding change: c.4853G>T on transcript NM_000051.4 (MANE Select); coding-DNA position 4853, G replaced by T.
Protein change: p.Arg1618Leu; replaces arginine 1618 with leucine.
Molecular consequence: missense variant.
Genome position (GRCh38, 1-based): chr11:108,295,003, G>T. VCF-style: chr11-108295003-G-T. GRCh37 (hg19) VCF-style: chr11-108165730-G-T.
Other names: c.4853G>T, p.Arg1618Leu (NM_001351834.2); short protein forms R1618L.
Identifiers: ClinVar variation 481265 (VCV000481265.8), dbSNP rs765759912, ClinGen allele CA382536968.